The following is an entry in ClinVar:

NM_004656.4(BAP1):c.1984-5_2005dup

Gene: BAP1 (BRCA1 associated deubiquitinase 1; minus strand). Cytogenetic location: 3p21.1.
Variant type: Duplication.
Coding change: c.1984-5_2005dup on transcript NM_004656.4 (MANE Select); 5 bases into the intron before coding-DNA position 1984 through coding-DNA position 2005, 27 bases duplicated (TACAGATTGATGACCAGAGAAGGACCC).
Molecular consequence: splice acceptor variant.
Genome position (GRCh38, 1-based): chr3:52,402,653-52,402,679, GGGTCCTTCTCTGGTCATCAATCTGTA duplicated on the plus strand (TACAGATTGATGACCAGAGAAGGACCC on the coding strand, the reverse complement: BAP1 is on the minus strand); duplicating any 27 consecutive bases within chr3:52,402,653-52,402,681 gives the same sequence; the c. name uses the placement nearest the transcript's 3' end. VCF-style (leftmost placement, unchanged base first): chr3-52402652-T-TGGGTCCTTCTCTGGTCATCAATCTGTA. GRCh37 (hg19) VCF-style: chr3-52436668-T-TGGGTCCTTCTCTGGTCATCAATCTGTA.
Identifiers: ClinVar variation 918940 (VCV000918940.3), dbSNP rs1705000035, ClinGen allele CA913188115.

ClinVar aggregate classification (germline): Uncertain significance (1 of 4 stars; one submission).

Conditions:
Hereditary cancer-predisposing syndrome. Also called: Neoplastic Syndromes, Hereditary; Tumor predisposition; Hereditary Cancer Syndrome; Hereditary neoplastic syndrome. Identifiers: Orphanet 140162, MedGen C0027672, MeSH D009386, MONDO:0015356.

Submission:

Color Diagnostics, LLC DBA Color Health
Classification: Uncertain significance for Hereditary cancer-predisposing syndrome. Last evaluated: 2019-10-22. Review status: criteria provided, single submitter. Criteria: ACMG Guidelines, 2015. Collection method: clinical testing. Allele origin: germline.
Comment: This variant causes an in-frame insertion of 9 amino acids between codons 668 and 669 in the BAP1 protein. Splice site prediction tools suggest that this variant may not impact RNA splicing. To our knowledge, functional studies have not been performed for this variant. This variant has not been reported in individuals affected with hereditary cancer in the literature. This variant has not been identified in the general population by the Genome Aggregation Database (gnomAD). The available evidence is insufficient to determine the role of this variant in disease conclusively. Therefore, this variant is classified as a Variant of Uncertain Significance.